The following is an entry in ClinVar:

ClinVar aggregate classification (germline): Likely benign. Review status: criteria provided, multiple submitters, no conflicts (2 of 4 stars). 2 submissions from 2 submitters: Likely benign (2). Last evaluated 2026-01-15.

Conditions:
Charcot-Marie-Tooth disease dominant intermediate B (CMTDIB). Also called: Charcot-Marie-Tooth disease dominant intermediate 1; CMT DI1; Charcot-Marie-Tooth disease dominant intermediate I; CHARCOT-MARIE-TOOTH NEUROPATHY, DOMINANT INTERMEDIATE B. Identifiers: Orphanet 100044, Orphanet 228179, MedGen C1847902, MONDO:0011674, OMIM 606482.

Allele frequency attached by ClinVar (database versions not stated): gnomAD 0.00006 and 0.00007; gnomAD exomes 0.00008 and 0.00015; TOPMed 0.00008; ExAC 0.00017.
gnomAD v4.1: 141 of 1,613,748 alleles (0.0087%); highest among the groups gnomAD compares: Middle Eastern, 0.15%; 2 homozygotes.

Submissions (2):

Labcorp Genetics (formerly Invitae), Labcorp
Classification: Likely benign for Charcot-Marie-Tooth disease dominant intermediate B. Last evaluated: 2026-01-15. Review status: criteria provided, single submitter. Criteria: Invitae Variant Classification Sherloc (09022015). Collection method: clinical testing. Allele origin: germline.

GeneDx
Classification: Likely benign. Last evaluated: 2017-08-17. Review status: criteria provided, single submitter. Criteria: GeneDx Variant Classification (06012015). Collection method: clinical testing. Allele origin: germline. Affected: yes.
Comment: This variant is considered likely benign or benign based on one or more of the following criteria: it is a conservative change, it occurs at a poorly conserved position in the protein, it is predicted to be benign by multiple in silico algorithms, and/or has population frequency not consistent with disease.

NM_001005361.3(DNM2):c.1196+778G>C

Gene: DNM2 (dynamin 2; plus strand). Cytogenetic location: 19p13.2.
Variant type: single nucleotide variant.
Coding change: c.1196+778G>C on transcript NM_001005361.3 (MANE Select); 778 bases into the intron after coding-DNA position 1196, G replaced by C.
Molecular consequence: intron variant.
Genome position (GRCh38, 1-based): chr19:10,796,217, G>C. VCF-style: chr19-10796217-G-C. GRCh37 (hg19) VCF-style: chr19-10906893-G-C.
Other names: c.1335+18G>C (NM_001005360.3, NM_001190716.2, NM_004945.4); c.1196+778G>C (NM_001005362.3).
Identifiers: ClinVar variation 516524 (VCV000516524.8), dbSNP rs763908447, ClinGen allele CA9201054.
Genomic context (GRCh38, chr19:10,796,217, plus strand): 5'-TATCCAGGAGCTAATCAATACAGTTAGGCAGTGTACCAGTAAGGTATTGCTCCCTCGGCA[G>C]GGTGACTCCTGACCTTGTGGAAACGGGGGTACGGGGGTTTGGTATCAGGCTCCCAGCGCC-3'